The following is an entry in ClinVar:

NM_004006.3(DMD):c.9265A>T (p.Thr3089Ser)

Gene: DMD (dystrophin; minus strand). Cytogenetic location: Xp21.2.
Variant type: single nucleotide variant.
Coding change: c.9265A>T on transcript NM_004006.3 (MANE Select); coding-DNA position 9265, A replaced by T.
Protein change: p.Thr3089Ser; replaces threonine 3089 with serine.
Molecular consequence: missense variant.
Genome position (GRCh38, 1-based): chrX:31,260,976, T>A on the plus strand (A>T on the coding strand, the complement: DMD is on the minus strand). VCF-style: chrX-31260976-T-A. GRCh37 (hg19) VCF-style: chrX-31279093-T-A.
Other names: c.9241A>T, p.Thr3081Ser (NM_000109.4); c.9253A>T, p.Thr3085Ser (NM_004009.3); c.8896A>T, p.Thr2966Ser (NM_004010.3); c.5242A>T, p.Thr1748Ser (NM_004011.4); c.5233A>T, p.Thr1745Ser (NM_004012.4); c.1885A>T, p.Thr629Ser (NM_004013.3, NM_004020.4, NM_004021.3 and 2 more transcripts); c.1078A>T, p.Thr360Ser (NM_004014.3); c.61A>T, p.Thr21Ser (NM_004015.3, NM_004016.3, NM_004017.3 and 2 more transcripts); short protein forms T21S, T2966S, T3081S, T629S, T1745S, T3089S, T1748S, T3085S.
Identifiers: ClinVar variation 1448670 (VCV001448670.7), dbSNP rs776860944, ClinGen allele CA10377852.

ClinVar aggregate classification (germline): Uncertain significance. Review status: criteria provided, multiple submitters, no conflicts (2 of 4 stars). 3 submissions from 3 submitters: Uncertain significance (3). Last evaluated 2026-08-08.

Conditions:
Duchenne muscular dystrophy (DMD). Also called: MUSCULAR DYSTROPHY, PSEUDOHYPERTROPHIC PROGRESSIVE, DUCHENNE TYPE; Duchenne Muscular Dystrophy (DMD). Identifiers: Orphanet 98896, MedGen C0013264, MONDO:0010679, OMIM 310200.
Cardiovascular phenotype. Identifiers: MedGen CN230736.

Allele frequency attached by ClinVar (database versions not stated): gnomAD exomes 0.00001 and 0.00003; TOPMed 0.00003; ExAC 0.00005.
gnomAD v4.1: 4 of 1,211,418 alleles (0.00033%); highest among the groups gnomAD compares: Admixed American, 0.0087%; no homozygotes.

Submissions (4):

Ambry Genetics
Classification: Uncertain significance for Cardiovascular phenotype. Last evaluated: 2026-08-08. Review status: criteria provided, single submitter. Criteria: Ambry Variant Classification Scheme 2023. Collection method: clinical testing. Allele origin: germline.
Comment: The p.T3089S variant (also known as c.9265A>T), located in coding exon 63 of the DMD gene, results from an A to T substitution at nucleotide position 9265. The threonine at codon 3089 is replaced by serine, an amino acid with similar properties. This amino acid position is conserved. In addition, this alteration is predicted to be tolerated by in silico analysis. Based on the available evidence, the clinical significance of this variant remains unclear.

GeneDx
Classification: Uncertain significance. Last evaluated: 2024-02-21. Review status: criteria provided, single submitter. Criteria: GeneDx Variant Classification Process June 2021. Collection method: clinical testing. Allele origin: germline.
Comment: In silico analysis supports that this missense variant has a deleterious effect on protein structure/function; Has not been previously published as pathogenic or benign to our knowledge

Labcorp Genetics (formerly Invitae), Labcorp
Classification: Uncertain significance for Duchenne muscular dystrophy. Last evaluated: 2022-06-04. Review status: criteria provided, single submitter. Criteria: Invitae Variant Classification Sherloc (09022015). Collection method: clinical testing. Allele origin: germline.
Comment: This sequence change replaces threonine, which is neutral and polar, with serine, which is neutral and polar, at codon 3089 of the DMD protein (p.Thr3089Ser). This variant is present in population databases (rs776860944, gnomAD 0.02%). This variant has not been reported in the literature in individuals affected with DMD-related conditions. ClinVar contains an entry for this variant (Variation ID: 1448670). Algorithms developed to predict the effect of missense changes on protein structure and function (SIFT, PolyPhen-2, Align-GVGD) all suggest that this variant is likely to be tolerated. In summary, the available evidence is currently insufficient to determine the role of this variant in disease. Therefore, it has been classified as a Variant of Uncertain Significance.

Dr. Peter K. Rogan Lab, Western University
No classification provided (evidence only). Condition: Thyroid cancer, nonmedullary, 1. Review status: no classification provided. Collection method: in vitro. Allele origin: not applicable. Functional consequence: retained intron. Not counted in ClinVar's aggregate classification.